The following is an entry in ClinVar:

ClinVar aggregate classification (germline): Conflicting classifications of pathogenicity. Review status: criteria provided, conflicting classifications (1 of 4 stars). 5 submissions from 5 submitters: Uncertain significance (3); Likely benign (2). Last evaluated 2026-01-27.

Conditions:
Cardiovascular phenotype. Identifiers: MedGen CN230736.
Cardiomyopathy (CMYO). Also called: Cardiomyopathies. Identifiers: Orphanet 167848, MedGen C0878544, MONDO:0004994, HP:0001638. Inheritance: Various modes of inheritance.
Arrhythmogenic right ventricular cardiomyopathy (ARVD). Also called: Arrhythmogenic cardiomyopathy; Arrhythmogenic Right Ventricular Cardiomyopathy (ARVC); Cardiomyopathy, ARVC; Arrhythmogenic right ventricular dysplasia. Identifiers: Orphanet 247, MedGen C0349788, MeSH D019571, MONDO:0016587. Disease mechanism: loss of function. Inheritance: Various modes of inheritance.
Arrhythmogenic right ventricular dysplasia 10. Also called: Arrhythmogenic right ventricular dysplasia/cardiomyopathy, type 10; Arrhythmogenic Right Ventricular Dysplasia/Cardiomyopathy10; ARRHYTHMOGENIC RIGHT VENTRICULAR DYSPLASIA, FAMILIAL, 10. Identifiers: MedGen C1857777, MONDO:0012434, OMIM 610193.

Allele frequency attached by ClinVar (database versions not stated): TOPMed 0.00002; gnomAD 0.00003; gnomAD exomes 0.00003; ExAC 0.00004.
gnomAD v4.1: 28 of 1,614,014 alleles (0.0017%); highest among the groups gnomAD compares: Admixed American, 0.01%; no homozygotes.

Submissions (5):

Labcorp Genetics (formerly Invitae), Labcorp
Classification: Uncertain significance for Arrhythmogenic right ventricular dysplasia 10. Last evaluated: 2026-01-27. Review status: criteria provided, single submitter. Criteria: Invitae Variant Classification Sherloc (09022015). Collection method: clinical testing. Allele origin: germline.
Comment: This sequence change replaces glycine, which is neutral and non-polar, with serine, which is neutral and polar, at codon 598 of the DSG2 protein (p.Gly598Ser). This variant is present in population databases (rs773666300, gnomAD 0.01%). This variant has not been reported in the literature in individuals affected with DSG2-related conditions. ClinVar contains an entry for this variant (Variation ID: 519359). Invitae Evidence Modeling of protein sequence and biophysical properties (such as structural, functional, and spatial information, amino acid conservation, physicochemical variation, residue mobility, and thermodynamic stability) indicates that this missense variant is not expected to disrupt DSG2 protein function with a negative predictive value of 95%. In summary, the available evidence is currently insufficient to determine the role of this variant in disease. Therefore, it has been classified as a Variant of Uncertain Significance.

Color Diagnostics, LLC DBA Color Health
Classification: Likely benign for Cardiomyopathy. Last evaluated: 2025-04-15. Review status: criteria provided, single submitter. Criteria: ACMG Guidelines, 2015. Collection method: clinical testing. Allele origin: germline.

All of Us Research Program, National Institutes of Health
Classification: Uncertain significance for Arrhythmogenic right ventricular cardiomyopathy. Last evaluated: 2024-05-09. Review status: criteria provided, single submitter. Criteria: ACMG Guidelines, 2015. Collection method: clinical testing. Allele origin: germline. Inheritance: Autosomal dominant inheritance. Observed: 8 variant alleles, 8 heterozygotes.
Comment: This missense variant replaces glycine with serine at codon 598 of the DSG2 protein. Computational prediction suggests that this variant may not impact protein structure and function (internally defined REVEL score threshold <= 0.5, PMID: 27666373). To our knowledge, functional studies have not been reported for this variant. This variant has not been reported in individuals affected with cardiovascular disorders in the literature. This variant has been identified in 9/280530 chromosomes in the general population by the Genome Aggregation Database (gnomAD). The available evidence is insufficient to determine the role of this variant in disease conclusively. Therefore, this variant is classified as a Variant of Uncertain Significance.

This study involves interpretation of variants in research participants for the purpose of population health screening. Participant phenotype was not available at the time of variant classification. Additional details can be found in publication PMID: 35346344, PMCID: PMC8962531

GeneDx
Classification: Uncertain significance. Last evaluated: 2024-01-18. Review status: criteria provided, single submitter. Criteria: GeneDx Variant Classification Process June 2021. Collection method: clinical testing. Allele origin: germline. Affected: yes.
Comment: Has not been previously published as pathogenic or benign to our knowledge; In silico analysis supports that this missense variant does not alter protein structure/function

Ambry Genetics
Classification: Likely benign for Cardiovascular phenotype. Last evaluated: 2023-11-21. Review status: criteria provided, single submitter. Criteria: Ambry Variant Classification Scheme 2023. Collection method: clinical testing. Allele origin: germline.

NM_001943.5(DSG2):c.1792G>A (p.Gly598Ser)

Gene: DSG2 (desmoglein 2; plus strand). Cytogenetic location: 18q12.1.
Variant type: single nucleotide variant.
Coding change: c.1792G>A on transcript NM_001943.5 (MANE Select); coding-DNA position 1792, G replaced by A.
Protein change: p.Gly598Ser; replaces glycine 598 with serine.
Molecular consequence: missense variant.
Genome position (GRCh38, 1-based): chr18:31,538,891, G>A. VCF-style: chr18-31538891-G-A. GRCh37 (hg19) VCF-style: chr18-29118854-G-A.
Other names: c.1792G>A (LRG_397t1); short protein forms G598S.
Identifiers: ClinVar variation 519359 (VCV000519359.21), dbSNP rs773666300, ClinGen allele CA043698.
Genomic context (GRCh38, chr18:31,538,891, plus strand): 5'-TTTAGTTGTCCTGAAAAGCAGGTCCTTACACTCACAGTTTGTGAGTGTCTGCATGGCAGC[G>A]GCTGCAGGGAAGCACAGCATGACTCCTATGTGGGCCTGGGACCCGCAGCAATTGCGCTCA-3'
Protein context (NP_001934.2, residues 588-608): LTVCECLHGS[Gly598Ser]CREAQHDSYV